The following is an entry in ClinVar:

NM_001130438.3(SPTAN1):c.368G>A (p.Arg123His)

Gene: SPTAN1 (spectrin alpha, non-erythrocytic 1; plus strand). Cytogenetic location: 9q34.11.
Variant type: single nucleotide variant.
Coding change: c.368G>A on transcript NM_001130438.3 (MANE Select); coding-DNA position 368, G replaced by A.
Protein change: p.Arg123His; replaces arginine 123 with histidine.
Molecular consequence: missense variant.
Genome position (GRCh38, 1-based): chr9:128,574,679, G>A. VCF-style: chr9-128574679-G-A. GRCh37 (hg19) VCF-style: chr9-131336958-G-A.
Other names: p.R123H:CGT>CAT; c.368G>A, p.Arg123His (NM_001195532.2, NM_001363759.2, NM_001363765.2 and 1 more transcripts); short protein forms R123H.
Identifiers: ClinVar variation 207311 (VCV000207311.14), dbSNP rs775634580, ClinGen allele CA318654.
Genomic context (GRCh38, chr9:128,574,679, plus strand): 5'-CCAGATCCCACAGAGCCAGTTGTGATCTGATTAAAACTCTGATTTGAAACTTTCAGACCC[G>A]TTTGATGGAGCTGCACCGCCAGTGGGAATTACTTTTGGAGAAGATGCGAGAAAAAGGAAT-3'
Protein context (NP_001123910.1, residues 113-133): GHFASETIRT[Arg123His]LMELHRQWEL

ClinVar aggregate classification (germline): Conflicting classifications of pathogenicity. Review status: criteria provided, conflicting classifications (1 of 4 stars). 3 submissions from 3 submitters: Uncertain significance (1); Likely benign (2). Last evaluated 2025-08-11.

Conditions:
Early-infantile DEE. Also called: Ohtahara syndrome; Early infantile epileptic encephalopathy; Early infantile epileptic encephalopathy with suppression bursts. Identifiers: Orphanet 1934, MedGen C0393706, MONDO:0800491.
Developmental and epileptic encephalopathy, 5 (DEE5). Identifiers: Orphanet 3451, MedGen C3150731, MONDO:0013277, OMIM 613477.

Allele frequency attached by ClinVar (database versions not stated): gnomAD 0.00001 and 0.00003; TOPMed 0.00001; gnomAD exomes 0.00008 and 0.00014; ExAC 0.00015.

Submissions (3):

Labcorp Genetics (formerly Invitae), Labcorp
Classification: Likely benign for Early-infantile DEE. Last evaluated: 2025-08-11. Review status: criteria provided, single submitter. Criteria: Invitae Variant Classification Sherloc (09022015). Collection method: clinical testing. Allele origin: germline.

Genome-Nilou Lab
Classification: Likely benign for Developmental and epileptic encephalopathy, 5. Last evaluated: 2021-07-15. Review status: criteria provided, single submitter. Criteria: ACMG Guidelines, 2015. Collection method: clinical testing. Allele origin: germline. Affected: no.

GeneDx
Classification: Uncertain significance. Last evaluated: 2013-07-26. Review status: criteria provided, single submitter. Criteria: GeneDx Variant Classification (06012015). Collection method: clinical testing. Allele origin: germline. Affected: yes.
Comment: p.Arg123His (CGT>CAT): c.368 G>A in exon 4 of the SPTAN1 gene (NM_001130438.1) The Arg123His missense change has not been published as a mutation, nor has it been reported as a benign polymorphism to our knowledge. It was not observed in approximately 6,500 individuals of European and African American ancestry in the NHLBI Exome Sequencing Project, indicating it is not a common benign variant in these populations. This variant is a conservative substitution of one positively charged, polar amino acid for another at a position that is conserved across species. Previously reported pathogenic mutations in SPTAN1 include in-frame deletions or duplications located within the last four spectrin repeats of the protein, which are essential for dimerization (Saitsu et al., 2010), and the Arg123 residue is outside this region. In silico analysis is inconsistent with regard to the effect this variant may have on the protein structure/function. Therefore, based on the currently available information, it is unclear whether Arg123His is a disease-causing mutation or a rare benign variant. The variant is found in INFANT-EPI panel(s).